The following is an entry in ClinVar:

ClinVar aggregate classification (germline): Likely pathogenic. Review status: criteria provided, multiple submitters, no conflicts (2 of 4 stars). 2 submissions from 2 submitters: Likely pathogenic (2). Last evaluated 2026-06-03.

Conditions:
Intellectual developmental disorder, autosomal dominant 73 (MRD73). Also called: TAF4-RELATED NDD; TAF4-RELATED NEURODEVELOPMENTAL DISORDER. Identifiers: MedGen C5830636, MONDO:0957536, OMIM 620450.

Submissions (2):

Joint Genome Diagnostic Labs from Nijmegen and Maastricht, Radboudumc and MUMC+
Classification: Likely pathogenic for Intellectual developmental disorder, autosomal dominant 73. Last evaluated: 2026-06-03. Review status: criteria provided, single submitter. Criteria: ACMG Guidelines, 2015. Collection method: clinical testing. Allele origin: de novo. Inheritance: Autosomal dominant inheritance. Affected: yes.

Variantyx, Inc.
Classification: Likely pathogenic for Intellectual developmental disorder, autosomal dominant 73. Last evaluated: 2025-05-29. Review status: criteria provided, single submitter. Criteria: Variantyx Assertion Criteria 2022. Collection method: clinical testing. Allele origin: germline. Inheritance: Autosomal dominant inheritance. Affected: yes.
Comment: This is a frameshift variant in the TAF4 gene (OMIM: 601796). Pathogenic variants in this gene have been associated with autosomal dominant intellectual developmental disorder 73. This variant introduces a premature termination codon in exon 1 out of 15 and is expected to result in loss of function, which is a known disease mechanism for TAF4 in this disorder (PMID: 35904126) (PVS1). This variant has a 0.0001% maximum allele frequency in non-founder control populations (PM2) and it has not been previously reported in individuals with TAF4-related disorders in the databases available for review. Based on the current evidence, this variant is classified as likely pathogenic for autosomal dominant intellectual developmental disorder 73.

Literature cited by the submitters: PubMed 35904126 (cited by Variantyx, Inc.).

NM_003185.4(TAF4):c.510dup (p.Gly171fs)

Gene: TAF4 (TATA-box binding protein associated factor 4; minus strand). Cytogenetic location: 20q13.33.
Variant type: Duplication.
Coding change: c.510dup on transcript NM_003185.4 (MANE Select); coding-DNA position 510, one base duplicated (C; older notation c.510dupC).
Protein change: p.Gly171fs; shifts the reading frame from glycine 171.
Molecular consequence: frameshift variant.
Genome position (GRCh38, 1-based): chr20:62,065,301, G duplicated on the plus strand (C on the coding strand, the reverse complement: TAF4 is on the minus strand); the first of 2 consecutive G bases (chr20:62,065,301-62,065,302); duplicating either gives the same sequence. VCF-style (leftmost placement, unchanged base first): chr20-62065300-C-CG. GRCh37 (hg19) VCF-style: chr20-60640356-C-CG.
Other names: short protein forms G171fs.
Identifiers: ClinVar variation 4852214 (VCV004852214.1).
Genomic context (GRCh38, chr20:62,065,300, plus strand): 5'-CGGCGGGCTTGCCAGGGCCAGGGCCGGGGCCGGGGCCGGGGCCGGGCCCGGGGCCGGGGC[C>CG]GGCGCGGGCGGCCAGCGCGGCGGGGCCGGCGGGCTTGGCGGGGCCGGCGGGGGCGGGCTC-3'